The following is an entry in ClinVar:

NM_001626.6(AKT2):c.597C>T (p.Thr199=)

Gene: AKT2 (AKT serine/threonine kinase 2; minus strand). Cytogenetic location: 19q13.2.
Variant type: single nucleotide variant.
Coding change: c.597C>T on transcript NM_001626.6 (MANE Select); coding-DNA position 597, C replaced by T.
Protein change: p.Thr199=; no amino-acid change (threonine 199 retained).
Molecular consequence: synonymous variant.
Genome position (GRCh38, 1-based): chr19:40,240,087, G>A on the plus strand (C>T on the coding strand, the complement: AKT2 is on the minus strand). VCF-style: chr19-40240087-G-A. GRCh37 (hg19) VCF-style: chr19-40745994-G-A.
Other names: p.Thr199=; c.411C>T, p.Thr137= (NM_001243027.3, NM_001243028.3); c.597C>T, p.Thr199= (NM_001330511.1); c.597C>T (NM_001626.5).
Identifiers: ClinVar variation 2949360 (VCV002949360.7), dbSNP rs538944575, ClinGen allele CA9441801.

ClinVar aggregate classification (germline): Likely benign. Review status: criteria provided, multiple submitters, no conflicts (2 of 4 stars). 4 submissions from 4 submitters: Likely benign (3). 1 of the submissions does not count toward it. Last evaluated 2026-08-01.

Conditions:
AKT2-related disorder. Also called: AKT2-related condition.
Type 2 diabetes mellitus. Also called: Type II diabetes mellitus. Identifiers: MedGen C0011860, MeSH D003924, MONDO:0005148, OMIM 125853, HP:0005978.
Hypoinsulinemic hypoglycemia and body hemihypertrophy. Also called: Hypoinsulinemic hypoglycemia and hemihypertrophy. Identifiers: Orphanet 293964, MedGen C3278384, MONDO:0009416, OMIM 240900.

Allele frequency attached by ClinVar (database versions not stated): 1000 Genomes Project 30x 0.00031; 1000 Genomes Project 0.00040; ExAC 0.00040; gnomAD exomes 0.00009; gnomAD 0.00021; TOPMed 0.00023.

Submissions (4):

CeGaT Center for Human Genetics Tuebingen
Classification: Likely benign. Last evaluated: 2026-08-01. Review status: criteria provided, single submitter. Criteria: CeGaT Center For Human Genetics Tuebingen Variant Classification Criteria Version 2. Collection method: clinical testing. Allele origin: germline. Affected: yes. Observed: 1 variant allele.
Comment: AKT2: BP4, BP7

Labcorp Genetics (formerly Invitae), Labcorp
Classification: Likely benign for Hypoinsulinemic hypoglycemia and body hemihypertrophy; Type 2 diabetes mellitus. Last evaluated: 2025-04-14. Review status: criteria provided, single submitter. Criteria: Invitae Variant Classification Sherloc (09022015). Collection method: clinical testing. Allele origin: germline.

Mayo Clinic Laboratories, Mayo Clinic
Classification: Likely benign. Last evaluated: 2025-03-26. Review status: criteria provided, single submitter. Criteria: ACMG Guidelines, 2015. Collection method: clinical testing. Allele origin: germline. Observed: 2 variant alleles.
Comment: BP4, BP7

PreventionGenetics, part of Exact Sciences
Classification: Likely benign for AKT2-related condition. Last evaluated: 2019-04-18. Review status: no assertion criteria provided. Collection method: clinical testing. Allele origin: germline. Not counted in ClinVar's aggregate classification.
Comment: This variant is classified as likely benign based on ACMG/AMP sequence variant interpretation guidelines (Richards et al. 2015 PMID: 25741868, with internal and published modifications).